The following is an entry in ClinVar:

NM_001048174.2(MUTYH):c.98A>C (p.Lys33Thr)

Gene: MUTYH (mutY DNA glycosylase; minus strand). Cytogenetic location: 1p34.1.
Variant type: single nucleotide variant.
Coding change: c.98A>C on transcript NM_001048174.2 (MANE Select); coding-DNA position 98, A replaced by C.
Protein change: p.Lys33Thr; replaces lysine 33 with threonine.
Molecular consequence: missense variant. On other transcripts: 5 prime UTR variant (7), non-coding transcript variant (7).
Genome position (GRCh38, 1-based): chr1:45,334,408, T>G on the plus strand (A>C on the coding strand, the complement: MUTYH is on the minus strand). VCF-style: chr1-45334408-T-G. GRCh37 (hg19) VCF-style: chr1-45800080-T-G.
Other names: c.98A>C, p.Lys33Thr (NM_001048171.2, NM_001048172.2, NM_001048173.2 and 15 more transcripts); c.140A>C, p.Lys47Thr (NM_001128425.2, NM_001293190.2, NM_001407069.1 and 2 more transcripts); c.-115A>C (NM_001293192.2, NM_001293196.2, NM_001407091.1); c.-174A>C (NM_001350650.2); c.-110A>C (NM_001350651.2, NM_001407082.1); c.-59A>C (NM_001407075.1); c.116A>C, p.Lys39Thr (NM_001407087.1); short protein forms K47T, K39T, K33T.
Identifiers: ClinVar variation 4113227 (VCV004113227.1).

ClinVar aggregate classification (germline): Uncertain significance (1 of 4 stars; one submission).

Conditions:
Hereditary cancer-predisposing syndrome. Also called: Tumor predisposition; Neoplastic Syndromes, Hereditary; Hereditary neoplastic syndrome; Hereditary Cancer Syndrome. Identifiers: Orphanet 140162, MedGen C0027672, MeSH D009386, MONDO:0015356.

Submission:

Ambry Genetics
Classification: Uncertain significance for Hereditary cancer-predisposing syndrome. Last evaluated: 2025-08-27. Review status: criteria provided, single submitter. Criteria: Ambry Variant Classification Scheme 2023. Collection method: clinical testing. Allele origin: germline.
Comment: The p.K47T variant (also known as c.140A>C), located in coding exon 2 of the MUTYH gene, results from an A to C substitution at nucleotide position 140. The lysine at codon 47 is replaced by threonine, an amino acid with similar properties. This amino acid position is conserved. In addition, this alteration is predicted to be tolerated by in silico analysis. Based on the available evidence, the clinical significance of this variant remains unclear.